The following is an entry in ClinVar:

ClinVar aggregate classification (germline): Uncertain significance. Review status: criteria provided, multiple submitters, no conflicts (2 of 4 stars). 2 submissions from 2 submitters: Uncertain significance (2). Last evaluated 2026-07-07.

Conditions:
Tuberous sclerosis 1 (TSC1). Identifiers: Orphanet 805, MedGen C1854465, MONDO:0008612, OMIM 191100.
Hereditary cancer-predisposing syndrome. Also called: Hereditary Cancer Syndrome; Hereditary neoplastic syndrome; Neoplastic Syndromes, Hereditary; Tumor predisposition. Identifiers: Orphanet 140162, MedGen C0027672, MeSH D009386, MONDO:0015356.

Allele frequency attached by ClinVar (database versions not stated): gnomAD exomes below 0.00001.
gnomAD v4.1: 2 of 1,613,924 alleles (0.00012%); highest among the groups gnomAD compares: Non-Finnish European, 0.00017%; no homozygotes.

Submissions (2):

Ambry Genetics
Classification: Uncertain significance for Hereditary cancer-predisposing syndrome. Last evaluated: 2026-07-07. Review status: criteria provided, single submitter. Criteria: Ambry Variant Classification Scheme 2023. Collection method: clinical testing. Allele origin: germline.
Comment: The p.P496L variant (also known as c.1487C>T), located in coding exon 13 of the TSC1 gene, results from a C to T substitution at nucleotide position 1487. The proline at codon 496 is replaced by leucine, an amino acid with similar properties. This amino acid position is conserved. In addition, this alteration is predicted to be tolerated by in silico analysis. Based on the available evidence, the clinical significance of this variant remains unclear.

Labcorp Genetics (formerly Invitae), Labcorp
Classification: Uncertain significance for Tuberous sclerosis 1. Last evaluated: 2023-03-21. Review status: criteria provided, single submitter. Criteria: Invitae Variant Classification Sherloc (09022015). Collection method: clinical testing. Allele origin: germline.
Comment: In summary, the available evidence is currently insufficient to determine the role of this variant in disease. Therefore, it has been classified as a Variant of Uncertain Significance. Algorithms developed to predict the effect of missense changes on protein structure and function output the following: SIFT: "Not Available"; PolyPhen-2: "Benign"; Align-GVGD: "Not Available". The leucine amino acid residue is found in multiple mammalian species, which suggests that this missense change does not adversely affect protein function. This variant has not been reported in the literature in individuals affected with TSC1-related conditions. This sequence change replaces proline, which is neutral and non-polar, with leucine, which is neutral and non-polar, at codon 496 of the TSC1 protein (p.Pro496Leu). This variant is not present in population databases (gnomAD no frequency).

NM_000368.5(TSC1):c.1487C>T (p.Pro496Leu)

Gene: TSC1 (TSC complex subunit 1; minus strand). Cytogenetic location: 9q34.13.
Variant type: single nucleotide variant.
Coding change: c.1487C>T on transcript NM_000368.5 (MANE Select); coding-DNA position 1487, C replaced by T.
Protein change: p.Pro496Leu; replaces proline 496 with leucine.
Molecular consequence: missense variant. On other transcripts: non-coding transcript variant (5).
Genome position (GRCh38, 1-based): chr9:132,906,091, G>A on the plus strand (C>T on the coding strand, the complement: TSC1 is on the minus strand). VCF-style: chr9-132906091-G-A. GRCh37 (hg19) VCF-style: chr9-135781478-G-A.
Other names: c.1484C>T, p.Pro495Leu (NM_001162426.2, NM_001406597.1, NM_001406598.1 and 6 more transcripts); c.1334C>T, p.Pro445Leu (NM_001162427.2, NM_001406610.1); c.1124C>T, p.Pro375Leu (NM_001362177.2, NM_001406614.1, NM_001406615.1 and 5 more transcripts); c.1487C>T, p.Pro496Leu (NM_001406592.1, NM_001406593.1, NM_001406594.1 and 7 more transcripts); c.1331C>T, p.Pro444Leu (NM_001406612.1, NM_001406613.1, NM_001406611.1); c.1121C>T, p.Pro374Leu (NM_001406620.1, NM_001406621.1, NM_001406622.1 and 2 more transcripts); c.536C>T, p.Pro179Leu (NM_001406626.1); c.533C>T, p.Pro178Leu (NM_001406627.1, NM_001406628.1); and 1 more; short protein forms P179L, P374L, P375L, P445L, P496L, P145L, P178L, P444L.
Identifiers: ClinVar variation 2848017 (VCV002848017.4), dbSNP rs2131847758, ClinGen allele CA375365420.